The following is an entry in ClinVar:

NM_001458.5(FLNC):c.4030G>A (p.Val1344Met)

Gene: FLNC (filamin C; plus strand). Cytogenetic location: 7q32.1.
Variant type: single nucleotide variant.
Coding change: c.4030G>A on transcript NM_001458.5 (MANE Select); coding-DNA position 4030, G replaced by A.
Protein change: p.Val1344Met; replaces valine 1344 with methionine.
Molecular consequence: missense variant.
Genome position (GRCh38, 1-based): chr7:128,846,366, G>A. VCF-style: chr7-128846366-G-A. GRCh37 (hg19) VCF-style: chr7-128486420-G-A.
Other names: c.4030G>A, p.Val1344Met (NM_001127487.2); short protein forms V1344M.
Identifiers: ClinVar variation 941027 (VCV000941027.12), dbSNP rs374127804, ClinGen allele CA4475224.
Genomic context (GRCh38, chr7:128,846,366, plus strand): 5'-CATCTGGTGGAGGTCCTGTATGATGAGGTCGCTGTGCCCAAGAGCCCCTTCCGAGTGGGC[G>A]TGACCGAGGGCTGTGATCCCACCCGCGTCCGAGCCTTCGGGCCAGGCCTGGAGGGTGGCT-3'
Protein context (NP_001449.3, residues 1334-1354): AVPKSPFRVG[Val1344Met]TEGCDPTRVR

ClinVar aggregate classification (germline): Uncertain significance. Review status: criteria provided, multiple submitters, no conflicts (2 of 4 stars). 2 submissions from 2 submitters: Uncertain significance (2). Last evaluated 2026-01-06.

Conditions:
Myofibrillar myopathy 5. Also called: FILAMINOPATHY, AUTOSOMAL DOMINANT; Filaminopathy (type). Identifiers: Orphanet 171445, MedGen C1836050, MONDO:0012289, OMIM 609524.
Distal myopathy with posterior leg and anterior hand involvement. Also called: WILLIAMS DISTAL MYOPATHY. Identifiers: Orphanet 63273, MedGen C3279722, MONDO:0013550, OMIM 614065.
Hypertrophic cardiomyopathy 26. Also called: Cardiomyopathy, familial hypertrophic, 26. Identifiers: Orphanet 75249, MedGen C4310749, MONDO:0014883, OMIM 617047.
Cardiovascular phenotype. Identifiers: MedGen CN230736.

Allele frequency attached by ClinVar (database versions not stated): gnomAD 0.00001; gnomAD exomes 0.00001 and 0.00002; ExAC 0.00002; TOPMed 0.00002; ESP Exome Variant Server 0.00008.
gnomAD v4.1: 32 of 1,612,918 alleles (0.002%); highest among the groups gnomAD compares: Middle Eastern, 0.016%; no homozygotes.

Submissions (2):

Labcorp Genetics (formerly Invitae), Labcorp
Classification: Uncertain significance for Distal myopathy with posterior leg and anterior hand involvement; Myofibrillar myopathy 5; Hypertrophic cardiomyopathy 26. Last evaluated: 2026-01-06. Review status: criteria provided, single submitter. Criteria: Invitae Variant Classification Sherloc (09022015). Collection method: clinical testing. Allele origin: germline.
Comment: This sequence change replaces valine, which is neutral and non-polar, with methionine, which is neutral and non-polar, at codon 1344 of the FLNC protein (p.Val1344Met). This variant is present in population databases (rs374127804, gnomAD 0.003%). This variant has not been reported in the literature in individuals affected with FLNC-related conditions. ClinVar contains an entry for this variant (Variation ID: 941027). Invitae Evidence Modeling of protein sequence and biophysical properties (such as structural, functional, and spatial information, amino acid conservation, physicochemical variation, residue mobility, and thermodynamic stability) has been performed for this missense variant. However, the output from this modeling did not meet the statistical confidence thresholds required to predict the impact of this variant on FLNC protein function. In summary, the available evidence is currently insufficient to determine the role of this variant in disease. Therefore, it has been classified as a Variant of Uncertain Significance.

Ambry Genetics
Classification: Uncertain significance for Cardiovascular phenotype. Last evaluated: 2025-06-16. Review status: criteria provided, single submitter. Criteria: Ambry Variant Classification Scheme 2023. Collection method: clinical testing. Allele origin: germline.
Comment: The p.V1344M variant (also known as c.4030G>A), located in coding exon 23 of the FLNC gene, results from a G to A substitution at nucleotide position 4030. The valine at codon 1344 is replaced by methionine, an amino acid with highly similar properties. This amino acid position is conserved. In addition, this alteration is predicted to be deleterious by in silico analysis. Since supporting evidence is limited at this time, the clinical significance of this alteration remains unclear.